The following is an entry in ClinVar:

ClinVar aggregate classification (germline): Likely benign (0 of 4 stars; one submission).

Conditions:
CDH13-related disorder. Also called: CDH13-related condition.

Allele frequency attached by ClinVar (database versions not stated): gnomAD exomes below 0.00001; TOPMed below 0.00001; ExAC 0.00002.
gnomAD v4.1: 5 of 1,604,174 alleles (0.00031%); highest among the groups gnomAD compares: East Asian, 0.0022%; no homozygotes.

Submission:

PreventionGenetics, part of Exact Sciences
Classification: Likely benign for CDH13-related condition. Last evaluated: 2019-02-19. Review status: no assertion criteria provided. Collection method: clinical testing. Allele origin: germline.
Comment: This variant is classified as likely benign based on ACMG/AMP sequence variant interpretation guidelines (Richards et al. 2015 PMID: 25741868, with internal and published modifications).

NM_001257.5(CDH13):c.45+8A>G

Gene: CDH13 (cadherin 13; plus strand). Cytogenetic location: 16q23.3.
Variant type: single nucleotide variant.
Coding change: c.45+8A>G on transcript NM_001257.5 (MANE Select); 8 bases into the intron after coding-DNA position 45, A replaced by G.
Molecular consequence: intron variant.
Genome position (GRCh38, 1-based): chr16:82,627,145, A>G. VCF-style: chr16-82627145-A-G. GRCh37 (hg19) VCF-style: chr16-82660750-A-G.
Other names: c.80+8A>G (NM_001220488.2); c.45+8A>G (NM_001220489.2, NM_001220491.2, NM_001220492.2); c.-509+8A>G (NM_001220490.2).
Identifiers: ClinVar variation 3047153 (VCV003047153.2), dbSNP rs757569853, ClinGen allele CA8196051.